The following is an entry in ClinVar:

NM_022124.6(CDH23):c.9167del (p.Val3056fs)

Gene: CDH23 (cadherin related 23; plus strand). Cytogenetic location: 10q22.1.
Variant type: Deletion.
Coding change: c.9167del on transcript NM_022124.6 (MANE Select); coding-DNA position 9167, one base deleted (T; older notation c.9167delT).
Protein change: p.Val3056fs; shifts the reading frame from valine 3056.
Molecular consequence: frameshift variant.
Genome position (GRCh38, 1-based): chr10:71,811,404, T deleted. VCF-style (leftmost placement, unchanged base first): chr10-71811403-GT-G. GRCh37 (hg19) VCF-style: chr10-73571160-GT-G.
Other names: c.2447del, p.Val816fs (NM_001171933.1, NM_001171934.1); c.9167del (NM_022124.5); short protein forms V3056fs, V816fs.
Identifiers: ClinVar variation 1073475 (VCV001073475.10), dbSNP rs2133001560, ClinGen allele CA2499220366.

ClinVar aggregate classification (germline): Pathogenic. Review status: criteria provided, multiple submitters, no conflicts (2 of 4 stars). 2 submissions from 2 submitters: Pathogenic (2). Last evaluated 2025-02-20.

Conditions:
Usher syndrome type 1 (USH1). Also called: RETINITIS PIGMENTOSA AND CONGENITAL DEAFNESS. Identifiers: Orphanet 231169, Orphanet 886, MedGen C1568247, MONDO:0010168, OMIM 276900.

Allele frequency attached by ClinVar (database versions not stated): gnomAD exomes below 0.00001.

Submissions (2):

Labcorp Genetics (formerly Invitae), Labcorp
Classification: Pathogenic. Last evaluated: 2025-02-20. Review status: criteria provided, single submitter. Criteria: Invitae Variant Classification Sherloc (09022015). Collection method: clinical testing. Allele origin: germline.
Comment: This sequence change creates a premature translational stop signal (p.Val3056Alafs*31) in the CDH23 gene. It is expected to result in an absent or disrupted protein product. Loss-of-function variants in CDH23 are known to be pathogenic (PMID: 11138009, 21940737). This variant is not present in population databases (gnomAD no frequency). This premature translational stop signal has been observed in individual(s) with Usher syndrome (PMID: 21436283). ClinVar contains an entry for this variant (Variation ID: 1073475). For these reasons, this variant has been classified as Pathogenic.

Natera, Inc.
Classification: Pathogenic for Usher syndrome type 1. Last evaluated: 2024-07-16. Review status: criteria provided, single submitter. Criteria: Natera Variant Classification Schema (03/2026). Collection method: clinical testing. Allele origin: germline.
Comment: The c.9167del variant in CDH23 is a frameshift variant predicted to shift the reading frame beginning at codon 3056 and leads to a stop codon 31 codons downstream. This variant is expected to result in nonsense mediated decay, truncation, or a dysfunctional protein product. This variant is rare in the general population with a frequency below the threshold expected for the associated phenotype(s). This variant has been observed in one or more individuals affected with the associated recessive disease, as either homozygous or compound heterozygous with a second variant (PMID: 25575603, 21436283). Given the available evidence, this variant is classified as Pathogenic.

Literature cited by the submitters: PubMed 11138009 (cited by Labcorp Genetics (formerly Invitae), Labcorp); PubMed 21940737 (cited by Labcorp Genetics (formerly Invitae), Labcorp); PubMed 21436283 (cited by Labcorp Genetics (formerly Invitae), Labcorp and Natera, Inc.); PubMed 25575603 (cited by Natera, Inc.).